The following is an entry in ClinVar:

ClinVar aggregate classification (germline): Uncertain significance (1 of 4 stars; one submission).

Submission:

Labcorp Genetics (formerly Invitae), Labcorp
Classification: Uncertain significance. Last evaluated: 2021-09-17. Review status: criteria provided, single submitter. Criteria: Invitae Variant Classification Sherloc (09022015). Collection method: clinical testing. Allele origin: germline.
Comment: This sequence change replaces serine with leucine at codon 915 of the LIFR protein (p.Ser915Leu). The serine residue is highly conserved and there is a large physicochemical difference between serine and leucine. This variant is not present in population databases (ExAC no frequency). This variant has not been reported in the literature in individuals with LIFR-related conditions. Algorithms developed to predict the effect of missense changes on protein structure and function are either unavailable or do not agree on the potential impact of this missense change (SIFT: "Deleterious"; PolyPhen-2: "Benign"; Align-GVGD: "Class C15"). In summary, the available evidence is currently insufficient to determine the role of this variant in disease. Therefore, it has been classified as a Variant of Uncertain Significance.

NM_001127671.2(LIFR):c.2744C>T (p.Ser915Leu)

Gene: LIFR (LIF receptor subunit alpha; minus strand). Cytogenetic location: 5p13.1.
Variant type: single nucleotide variant.
Coding change: c.2744C>T on transcript NM_001127671.2 (MANE Select); coding-DNA position 2744, C replaced by T.
Protein change: p.Ser915Leu; replaces serine 915 with leucine.
Molecular consequence: missense variant.
Genome position (GRCh38, 1-based): chr5:38,482,145, G>A on the plus strand (C>T on the coding strand, the complement: LIFR is on the minus strand). VCF-style: chr5-38482145-G-A. GRCh37 (hg19) VCF-style: chr5-38482247-G-A.
Other names: c.2744C>T, p.Ser915Leu (NM_001364297.2, NM_002310.6); c.2711C>T, p.Ser904Leu (NM_001364298.2); short protein forms S904L, S915L.
Identifiers: ClinVar variation 1985161 (VCV001985161.1), dbSNP rs2530936367, ClinGen allele CA359534322.
Genomic context (GRCh38, chr5:38,482,145, plus strand): 5'-TCTTCAGGACGCTCAGCTACTGGGGAAATTATTTCTGTATCTTCTATTTTAGGAAATGCT[G>A]ATCGAGTTTCCAGAACCTCAACATTATTTGGGGTACAAGGATTCATTTCCAATGTTTTAA-3'
Protein context (NP_001121143.1, residues 905-925): PNNVEVLETR[Ser915Leu]AFPKIEDTEI